The following is an entry in ClinVar:

NM_002528.7(NTHL1):c.32GGAGCC[3] (p.11RS[3])

Gene: NTHL1 (nth like DNA glycosylase 1; minus strand). Cytogenetic location: 16p13.3.
Variant type: Microsatellite.
Coding change: c.32GGAGCC[3] on transcript NM_002528.7 (MANE Select); three copies in a row of the 6-base unit GGAGCC starting at c.32; the reference has two copies in a row; one copy, 6 bases duplicated.
Protein change: p.11RS[3].
Molecular consequence: inframe insertion. On other transcripts: 5 prime UTR variant (1).
Genome position (GRCh38, 1-based): chr16:2,047,781-2,047,786, GGCTCC duplicated on the plus strand (GGAGCC on the coding strand, the reverse complement: NTHL1 is on the minus strand); duplicating any 6 consecutive bases within chr16:2,047,781-2,047,794 gives the same sequence; the position shown is the placement nearest the transcript's 3' end. VCF-style (leftmost placement, unchanged base first): chr16-2047780-A-AGGCTCC. GRCh37 (hg19) VCF-style: chr16-2097781-A-AGGCTCC.
Other names: c.32GGAGCC[3], p.11RS[3] (NM_001318193.2); c.-147GGAGCC[3] (NM_001318194.2).
Identifiers: ClinVar variation 1036219 (VCV001036219.11), dbSNP rs2084525681, ClinGen allele CA2201989335.

ClinVar aggregate classification (germline): Uncertain significance. Review status: criteria provided, multiple submitters, no conflicts (2 of 4 stars). 2 submissions from 2 submitters: Uncertain significance (2). Last evaluated 2024-04-10.

Conditions:
Hereditary cancer-predisposing syndrome. Also called: Neoplastic Syndromes, Hereditary; Hereditary Cancer Syndrome; Tumor predisposition; Hereditary neoplastic syndrome. Identifiers: Orphanet 140162, MedGen C0027672, MeSH D009386, MONDO:0015356.

Submissions (2):

Labcorp Genetics (formerly Invitae), Labcorp
Classification: Uncertain significance. Last evaluated: 2024-04-10. Review status: criteria provided, single submitter. Criteria: Invitae Variant Classification Sherloc (09022015). Collection method: clinical testing. Allele origin: germline.
Comment: This variant, c.62_67dup, results in the insertion of 2 amino acid(s) of the NTHL1 protein (p.Arg21_Ser22dup), but otherwise preserves the integrity of the reading frame. This variant is not present in population databases (gnomAD no frequency). This variant has not been reported in the literature in individuals affected with NTHL1-related conditions. Experimental studies and prediction algorithms are not available or were not evaluated, and the functional significance of this variant is currently unknown. In summary, the available evidence is currently insufficient to determine the role of this variant in disease. Therefore, it has been classified as a Variant of Uncertain Significance.

Ambry Genetics
Classification: Uncertain significance for Hereditary cancer-predisposing syndrome. Last evaluated: 2023-10-27. Review status: criteria provided, single submitter. Criteria: Ambry Variant Classification Scheme 2023. Collection method: clinical testing. Allele origin: germline.
Comment: The c.62_67dupGGAGCC variant (also known as p.R21_S22dup), located in coding exon 1 of the NTHL1 gene, results from an in-frame duplication of GGAGCC at nucleotide positions 62 to 67. This results in the duplication of 2 extra residues (RS) between codons 21 and 22. This amino acid region is well conserved in available vertebrate species. In addition, this alteration is predicted to be neutral by in silico analysis (Choi Y et al. PLoS ONE. 2012; 7(10):e46688). Since supporting evidence is limited at this time, the clinical significance of this alteration remains unclear.